The following is an entry in ClinVar:

ClinVar aggregate classification (germline): Uncertain significance (1 of 4 stars; one submission).

Allele frequency attached by ClinVar (database versions not stated): gnomAD exomes below 0.00001; ExAC 0.00001.
gnomAD v4.1: 3 of 1,613,978 alleles (0.00019%); highest among the groups gnomAD compares: South Asian, 0.0022%; no homozygotes.

Submission:

Labcorp Genetics (formerly Invitae), Labcorp
Classification: Uncertain significance. Last evaluated: 2024-03-01. Review status: criteria provided, single submitter. Criteria: Invitae Variant Classification Sherloc (09022015). Collection method: clinical testing. Allele origin: germline.
Comment: This sequence change replaces serine, which is neutral and polar, with leucine, which is neutral and non-polar, at codon 633 of the SLC4A1 protein (p.Ser633Leu). This variant is present in population databases (rs760240566, gnomAD 0.003%). This missense change has been observed in individual(s) with renal tubular acidosis (PMID: 31949730). In at least one individual the data is consistent with being in trans (on the opposite chromosome) from a pathogenic variant. Advanced modeling of protein sequence and biophysical properties (such as structural, functional, and spatial information, amino acid conservation, physicochemical variation, residue mobility, and thermodynamic stability) performed at Invitae indicates that this missense variant is not expected to disrupt SLC4A1 protein function with a negative predictive value of 80%. In summary, the available evidence is currently insufficient to determine the role of this variant in disease. Therefore, it has been classified as a Variant of Uncertain Significance.

Literature cited by the submitters: PubMed 31949730.

NM_000342.4(SLC4A1):c.1898C>T (p.Ser633Leu)

Gene: SLC4A1 (solute carrier family 4 member 1 (Diego blood group); minus strand). Cytogenetic location: 17q21.31.
Variant type: single nucleotide variant.
Coding change: c.1898C>T on transcript NM_000342.4 (MANE Select); coding-DNA position 1898, C replaced by T.
Protein change: p.Ser633Leu; replaces serine 633 with leucine.
Molecular consequence: missense variant.
Genome position (GRCh38, 1-based): chr17:44,254,655, G>A on the plus strand (C>T on the coding strand, the complement: SLC4A1 is on the minus strand). VCF-style: chr17-44254655-G-A. GRCh37 (hg19) VCF-style: chr17-42332023-G-A.
Other names: short protein forms S633L.
Identifiers: ClinVar variation 2910432 (VCV002910432.3), dbSNP rs760240566, ClinGen allele CA8600169.